The following is an entry in ClinVar:

ClinVar aggregate classification (germline): Benign (1 of 4 stars; one submission).

Conditions:
Maple syrup urine disease (MSUD). Identifiers: Orphanet 511, MedGen C0024776, MeSH D008375, MONDO:0009563. Disease mechanism: loss of function.

Allele frequency attached by ClinVar (database versions not stated): gnomAD exomes 0.00098; gnomAD 0.01081 and 0.01152; 1000 Genomes Project 0.01118; 1000 Genomes Project 30x 0.01171.
gnomAD v4.1: 1,720 of 249,348 alleles (0.69%); highest among the groups gnomAD compares: African/African-American, 3.6%; 24 homozygotes.

Submission:

Illumina Laboratory Services, Illumina
Classification: Benign for Maple syrup urine disease type 1A. Last evaluated: 2018-01-13. Review status: criteria provided, single submitter. Criteria: ICSL Variant Classification Criteria 13 December 2019. Collection method: clinical testing. Allele origin: germline.
Comment: This variant was observed in the ICSL laboratory as part of a predisposition screen in an ostensibly healthy population. It had not been previously curated by ICSL or reported in the Human Gene Mutation Database (HGMD: prior to June 1st, 2018), and was therefore a candidate for classification through an automated scoring system. Utilizing variant allele frequency, disease prevalence and penetrance estimates, and inheritance mode, an automated score was calculated to assess if this variant is too frequent to cause the disease. Based on the score and internal cut-off values, a variant classified as benign is not then subjected to further curation. The score for this variant resulted in a classification of benign for this disease.

NM_183050.4(BCKDHB):c.*440A>T

Gene: BCKDHB (branched chain keto acid dehydrogenase E1 subunit beta; plus strand). Cytogenetic location: 6q14.1.
Variant type: single nucleotide variant.
Coding change: c.*440A>T on transcript NM_183050.4 (MANE Select); 440 bases downstream of the stop codon, A replaced by T.
Molecular consequence: 3 prime UTR variant. On other transcripts: non-coding transcript variant (1), intron variant (1).
Genome position (GRCh38, 1-based): chr6:80,344,244, A>T. VCF-style: chr6-80344244-A-T. GRCh37 (hg19) VCF-style: chr6-81053961-A-T.
Other names: c.*440A>T (NM_001318975.1); c.*8+432A>T (NM_000056.5).
Identifiers: ClinVar variation 358180 (VCV000358180.5), dbSNP rs113404985, ClinGen allele CA10622786.